The following is an entry in ClinVar:

NM_001759.4(CCND2):c.439T>A (p.Leu147Met)

Gene: CCND2 (cyclin D2; plus strand). Cytogenetic location: 12p13.32.
Variant type: single nucleotide variant.
Coding change: c.439T>A on transcript NM_001759.4 (MANE Select); coding-DNA position 439, T replaced by A.
Protein change: p.Leu147Met; replaces leucine 147 with methionine.
Molecular consequence: missense variant.
Genome position (GRCh38, 1-based): chr12:4,278,787, T>A. VCF-style: chr12-4278787-T-A. GRCh37 (hg19) VCF-style: chr12-4387953-T-A.
Other names: short protein forms L147M.
Identifiers: ClinVar variation 5019003 (VCV005019003.2).

ClinVar aggregate classification (germline): Uncertain significance (1 of 4 stars; one submission).

Conditions:
Megalencephaly-polymicrogyria-polydactyly-hydrocephalus syndrome 3 (MPPH3). Identifiers: Orphanet 83473, MedGen C4014742, MONDO:0014408, OMIM 615938.

Submission:

Juno Genomics, Hangzhou Juno Genomics, Inc
Classification: Uncertain significance for Megalencephaly-polymicrogyria-polydactyly-hydrocephalus syndrome 3. Review status: criteria provided, single submitter. Criteria: ACMG Guidelines, 2015. Collection method: clinical testing. Allele origin: germline.
Comment: Absent from controls (or at extremely low frequency if recessive) in Genome Aggregation Database.